The following is an entry in ClinVar:

NM_152703.5(SAMD9L):c.274A>G (p.Asn92Asp)

Gene: SAMD9L (sterile alpha motif domain containing 9 like; minus strand). Cytogenetic location: 7q21.2.
Variant type: single nucleotide variant.
Coding change: c.274A>G on transcript NM_152703.5 (MANE Select); coding-DNA position 274, A replaced by G.
Protein change: p.Asn92Asp; replaces asparagine 92 with aspartic acid.
Molecular consequence: missense variant.
Genome position (GRCh38, 1-based): chr7:93,135,698, T>C on the plus strand (A>G on the coding strand, the complement: SAMD9L is on the minus strand). VCF-style: chr7-93135698-T-C. GRCh37 (hg19) VCF-style: chr7-92765011-T-C.
Other names: c.274A>G, p.Asn92Asp (NM_001303496.3, NM_001303497.3, NM_001303498.3 and 5 more transcripts); short protein forms N92D.
Identifiers: ClinVar variation 4159415 (VCV004159415.1).
Genomic context (GRCh38, chr7:93,135,698, plus strand): 5'-CTTCTTCCTTTTTGGTGTGTTTTGGATTTTTCTGGTGTTCTGTTTTGGACGGTTTTGAAT[T>C]ATCTAATTGTCCCGGATCATGATTGTCACTTTCAGGGGACTTACTATTCAATTTGTTGTA-3'
Protein context (NP_689916.2, residues 82-102): SDNHDPGQLD[Asn92Asp]SKPSKTEHQK

ClinVar aggregate classification (germline): Uncertain significance (1 of 4 stars; one submission).

Conditions:
Inborn genetic diseases. Identifiers: MedGen C0950123, MeSH D030342.

Submission:

Ambry Genetics
Classification: Uncertain significance for Inborn genetic diseases. Last evaluated: 2025-08-20. Review status: criteria provided, single submitter. Criteria: Ambry Variant Classification Scheme 2023. Collection method: clinical testing. Allele origin: germline.
Comment: The p.N92D variant (also known as c.274A>G), located in coding exon 1 of the SAMD9L gene, results from an A to G substitution at nucleotide position 274. The asparagine at codon 92 is replaced by aspartic acid, an amino acid with highly similar properties. This amino acid position is conserved. In addition, this alteration is predicted to be tolerated by in silico analysis. Based on the available evidence, the clinical significance of this variant remains unclear.